The following is an entry in ClinVar:

NM_000503.6(EYA1):c.417T>C (p.Tyr139=)

Gene: EYA1 (EYA transcriptional coactivator and phosphatase 1; minus strand). Cytogenetic location: 8q13.3.
Variant type: single nucleotide variant.
Coding change: c.417T>C on transcript NM_000503.6 (MANE Select); coding-DNA position 417, T replaced by C.
Protein change: p.Tyr139=; no amino-acid change (tyrosine 139 retained).
Molecular consequence: synonymous variant.
Genome position (GRCh38, 1-based): chr8:71,321,735, A>G on the plus strand (T>C on the coding strand, the complement: EYA1 is on the minus strand). VCF-style: chr8-71321735-A-G. GRCh37 (hg19) VCF-style: chr8-72233970-A-G.
Other names: c.414T>C, p.Tyr138= (NM_001288574.2); c.66T>C, p.Tyr22= (NM_001288575.2); c.504T>C, p.Tyr168= (NM_001370333.1, NM_172059.5); c.417T>C, p.Tyr139= (NM_001370334.1, NM_001370335.1, NM_172058.4); c.501T>C, p.Tyr167= (NM_001370336.1); c.318T>C, p.Tyr106= (NM_001411797.1, NM_172060.4).
Identifiers: ClinVar variation 2726111 (VCV002726111.3), dbSNP rs760398939, ClinGen allele CA4779791.

ClinVar aggregate classification (germline): Uncertain significance (1 of 4 stars; one submission).

Conditions:
Melnick-Fraser syndrome (BOR). Also called: Branchiootorenal syndrome; Branchiootorenal Syndrome (BORS); Branchio-oto-renal syndrome. Identifiers: Orphanet 107, MedGen C0265234, MONDO:0007029.

Allele frequency attached by ClinVar (database versions not stated): gnomAD exomes below 0.00001; ExAC 0.00002.
gnomAD v4.1: 3 of 1,614,100 alleles (0.00019%); highest among the groups gnomAD compares: Non-Finnish European, 0.00017%; no homozygotes.

Submission:

Labcorp Genetics (formerly Invitae), Labcorp
Classification: Uncertain significance for Melnick-Fraser syndrome. Last evaluated: 2024-06-03. Review status: criteria provided, single submitter. Criteria: Invitae Variant Classification Sherloc (09022015). Collection method: clinical testing. Allele origin: germline.
Comment: This sequence change affects codon 139 of the EYA1 mRNA. It is a 'silent' change, meaning that it does not change the encoded amino acid sequence of the EYA1 protein. It affects a nucleotide within the consensus splice site. This variant is present in population databases (rs760398939, gnomAD 0.006%). This variant has not been reported in the literature in individuals affected with EYA1-related conditions. Algorithms developed to predict the effect of sequence changes on RNA splicing suggest that this variant is not likely to affect RNA splicing. In summary, the available evidence is currently insufficient to determine the role of this variant in disease. Therefore, it has been classified as a Variant of Uncertain Significance.